The following is an entry in ClinVar:

NM_004329.3(BMPR1A):c.379A>T (p.Thr127Ser)

Gene: BMPR1A (bone morphogenetic protein receptor type 1A; plus strand). Cytogenetic location: 10q23.2.
Variant type: single nucleotide variant.
Coding change: c.379A>T on transcript NM_004329.3 (MANE Select); coding-DNA position 379, A replaced by T.
Protein change: p.Thr127Ser; replaces threonine 127 with serine.
Molecular consequence: missense variant. On other transcripts: non-coding transcript variant (3), intron variant (1).
Genome position (GRCh38, 1-based): chr10:86,899,839, A>T. VCF-style: chr10-86899839-A-T. GRCh37 (hg19) VCF-style: chr10-88659596-A-T.
Other names: c.379A>T, p.Thr127Ser (NM_001406559.1, NM_001406560.1, NM_001406561.1 and 22 more transcripts); c.295A>T, p.Thr99Ser (NM_001406584.1, NM_001406585.1, NM_001406586.1 and 2 more transcripts); c.333+7610A>T (NM_001406589.1); short protein forms T127S, T99S.
Identifiers: ClinVar variation 2626629 (VCV002626629.2), dbSNP rs2133454135, ClinGen allele CA377449491.

ClinVar aggregate classification (germline): Uncertain significance (1 of 4 stars; one submission).

Conditions:
Hereditary cancer-predisposing syndrome. Also called: Tumor predisposition; Hereditary Cancer Syndrome; Hereditary neoplastic syndrome; Neoplastic Syndromes, Hereditary. Identifiers: Orphanet 140162, MedGen C0027672, MeSH D009386, MONDO:0015356.

Submission:

Ambry Genetics
Classification: Uncertain significance for Hereditary cancer-predisposing syndrome. Last evaluated: 2023-07-09. Review status: criteria provided, single submitter. Criteria: Ambry Variant Classification Scheme 2023. Collection method: clinical testing. Allele origin: germline.
Comment: The p.T127S variant (also known as c.379A>T), located in coding exon 4 of the BMPR1A gene, results from an A to T substitution at nucleotide position 379. The threonine at codon 127 is replaced by serine, an amino acid with similar properties. This amino acid position is conserved. In addition, the in silico prediction for this alteration is inconclusive. Since supporting evidence is limited at this time, the clinical significance of this alteration remains unclear.